The following is an entry in ClinVar:

ClinVar aggregate classification (germline): Uncertain significance (1 of 4 stars; one submission).

Conditions:
Wilms tumor 1 (WT1). Also called: Wilms tumor, somatic. Identifiers: Orphanet 654, MedGen CN033288, MONDO:0008679, OMIM 194070.

Submission:

Labcorp Genetics (formerly Invitae), Labcorp
Classification: Uncertain significance for Wilms tumor 1. Last evaluated: 2019-02-27. Review status: criteria provided, single submitter. Criteria: Invitae Variant Classification Sherloc (09022015). Collection method: clinical testing. Allele origin: germline.
Comment: This sequence change replaces alanine with valine at codon 201 of the GPC3 protein (p.Ala201Val). The alanine residue is highly conserved and there is a small physicochemical difference between alanine and valine. This variant is not present in population databases (ExAC no frequency). This variant has not been reported in the literature in individuals with GPC3-related conditions. Algorithms developed to predict the effect of missense changes on protein structure and function are either unavailable or do not agree on the potential impact of this missense change (SIFT: "Tolerated"; PolyPhen-2: "Probably Damaging"; Align-GVGD: "Class C0"). Algorithms developed to predict the effect of sequence changes on RNA splicing suggest that this variant may create or strengthen a splice site, but this prediction has not been confirmed by published transcriptional studies. In summary, the available evidence is currently insufficient to determine the role of this variant in disease. Therefore, it has been classified as a Variant of Uncertain Significance.

NM_004484.4(GPC3):c.602C>T (p.Ala201Val)

Gene: GPC3 (glypican 3; minus strand). Cytogenetic location: Xq26.2.
Variant type: single nucleotide variant.
Coding change: c.602C>T on transcript NM_004484.4 (MANE Select); coding-DNA position 602, C replaced by T.
Protein change: p.Ala201Val; replaces alanine 201 with valine.
Molecular consequence: missense variant.
Genome position (GRCh38, 1-based): chrX:133,753,912, G>A on the plus strand (C>T on the coding strand, the complement: GPC3 is on the minus strand). VCF-style: chrX-133753912-G-A. GRCh37 (hg19) VCF-style: chrX-132887939-G-A.
Other names: c.602C>T, p.Ala201Val (NM_001164617.2); c.554C>T, p.Ala185Val (NM_001164618.2); c.440C>T, p.Ala147Val (NM_001164619.2); short protein forms A147V, A185V, A201V.
Identifiers: ClinVar variation 849702 (VCV000849702.10), dbSNP rs201344338, ClinGen allele CA414706263.